The following is an entry in ClinVar:

NM_001365999.1(SZT2):c.4972T>A (p.Leu1658Ile)

Gene: SZT2 (SZT2 subunit of KICSTOR complex; plus strand). Cytogenetic location: 1p34.2.
Variant type: single nucleotide variant.
Coding change: c.4972T>A on transcript NM_001365999.1 (MANE Select); coding-DNA position 4972, T replaced by A.
Protein change: p.Leu1658Ile; replaces leucine 1658 with isoleucine.
Molecular consequence: missense variant.
Genome position (GRCh38, 1-based): chr1:43,431,320, T>A. VCF-style: chr1-43431320-T-A. GRCh37 (hg19) VCF-style: chr1-43896991-T-A.
Other names: c.4801T>A, p.Leu1601Ile (NM_015284.4); short protein forms L1601I, L1658I.
Identifiers: ClinVar variation 589554 (VCV000589554.16), dbSNP rs745970630, ClinGen allele CA809430.

ClinVar aggregate classification (germline): Uncertain significance. Review status: criteria provided, multiple submitters, no conflicts (2 of 4 stars). 5 submissions from 5 submitters: Uncertain significance (5). Last evaluated 2023-04-11.

Conditions:
Inborn genetic diseases. Identifiers: MedGen C0950123, MeSH D030342.
Developmental and epileptic encephalopathy, 18 (DEE18). Also called: Early infantile epileptic encephalopathy 18. Identifiers: Orphanet 369894, MedGen C3809624, MONDO:0014201, OMIM 615476.

Allele frequency attached by ClinVar (database versions not stated): gnomAD 0.00001; gnomAD exomes 0.00001 and 0.00003; ExAC 0.00003; TOPMed 0.00004.

Submissions (5):

Genome-Nilou Lab
Classification: Uncertain significance for Developmental and epileptic encephalopathy, 18. Last evaluated: 2023-04-11. Review status: criteria provided, single submitter. Criteria: ACMG Guidelines, 2015. Collection method: clinical testing. Allele origin: germline. Affected: no.

Labcorp Genetics (formerly Invitae), Labcorp
Classification: Uncertain significance. Last evaluated: 2022-11-02. Review status: criteria provided, single submitter. Criteria: Invitae Variant Classification Sherloc (09022015). Collection method: clinical testing. Allele origin: germline.
Comment: In summary, the available evidence is currently insufficient to determine the role of this variant in disease. Therefore, it has been classified as a Variant of Uncertain Significance. Advanced modeling of protein sequence and biophysical properties (such as structural, functional, and spatial information, amino acid conservation, physicochemical variation, residue mobility, and thermodynamic stability) performed at Invitae indicates that this missense variant is not expected to disrupt SZT2 protein function. ClinVar contains an entry for this variant (Variation ID: 589554). This variant has not been reported in the literature in individuals affected with SZT2-related conditions. This variant is present in population databases (rs745970630, gnomAD 0.009%). This sequence change replaces leucine, which is neutral and non-polar, with isoleucine, which is neutral and non-polar, at codon 1601 of the SZT2 protein (p.Leu1601Ile).

New York Genome Center
Classification: Uncertain significance for Developmental and epileptic encephalopathy, 18. Last evaluated: 2020-08-26. Review status: criteria provided, single submitter. Criteria: NYGC Assertion Criteria 2020. Collection method: clinical testing. Allele origin: germline. Observed: 1 heterozygote. Study: CSER-NYCKidSeq.

Baylor Genetics
Classification: Uncertain significance for Developmental and epileptic encephalopathy, 18. Last evaluated: 2020-01-23. Review status: criteria provided, single submitter. Criteria: ACMG Guidelines, 2015. Collection method: clinical testing. Allele origin: unknown. Affected: yes.
Comment: This variant was determined to be of uncertain significance according to ACMG Guidelines, 2015 [PMID:25741868].

Ambry Genetics
Classification: Uncertain significance for Inborn genetic diseases. Last evaluated: 2017-12-27. Review status: criteria provided, single submitter. Criteria: Ambry Variant Classification Scheme 2023. Collection method: clinical testing. Allele origin: germline.
Comment: The p.L1601I variant (also known as c.4801T>A), located in coding exon 33 of the SZT2 gene, results from a T to A substitution at nucleotide position 4801. The leucine at codon 1601 is replaced by isoleucine, an amino acid with highly similar properties. This amino acid position is conserved through mammals but not in all available vertebrate species. In addition, this alteration is predicted to be tolerated by in silico analysis. Since supporting evidence is limited at this time, the clinical significance of this alteration remains unclear.